The following is an entry in ClinVar:

ClinVar aggregate classification (germline): Conflicting classifications of pathogenicity. Review status: criteria provided, conflicting classifications (1 of 4 stars). 2 submissions from 2 submitters: Uncertain significance (1); Likely benign (1). Last evaluated 2021-05-23.

Submissions (2):

GeneDx
Classification: Likely benign. Last evaluated: 2021-05-23. Review status: criteria provided, single submitter. Criteria: GeneDx Variant Classification Process June 2021. Collection method: clinical testing. Allele origin: germline. Affected: yes.
Comment: See Variant Classification Assertion Criteria.

Breakthrough Genomics
Classification: Uncertain significance. Review status: criteria provided, single submitter. Criteria: ACMG Guidelines, 2015. Collection method: not provided. Allele origin: germline. Inheritance: Autosomal dominant inheritance. Affected: yes.

NM_005996.4(TBX3):c.-895TC[17]

Genes: TBX3 (T-box transcription factor 3; minus strand), TBX3-AS1 (TBX3 antisense RNA 1; plus strand). Cytogenetic location: 12q24.21.
Variant type: Microsatellite.
Coding change: c.-895TC[17] on transcript NM_005996.4 (MANE Select); 17 copies in a row of the 2-base unit TC starting at c.-895; the reference has 12 copies in a row; five copies, 10 bases duplicated.
Molecular consequence: 5 prime UTR variant.
Genome position (GRCh38, 1-based): chr12:114,684,072-114,684,081, GAGAGAGAGA duplicated on the plus strand (TCTCTCTCTC on the coding strand, the reverse complement: TBX3 is on the minus strand); duplicating any 10 consecutive bases within chr12:114,684,072-114,684,095 gives the same sequence; the position shown is the placement nearest the transcript's 3' end. VCF-style (leftmost placement, unchanged base first): chr12-114684071-G-GGAGAGAGAGA. GRCh37 (hg19) VCF-style: chr12-115121876-G-GGAGAGAGAGA.
Other names: c.-895TC[17] (NM_016569.4).
Identifiers: ClinVar variation 307402 (VCV000307402.7), dbSNP rs57078153, ClinGen allele CA10636605.